The following is an entry in ClinVar:

ClinVar aggregate classification (germline): Likely benign. Review status: criteria provided, single submitter (1 of 4 stars). 2 submissions from 2 submitters: Likely benign (1). 1 of the submissions does not count toward it. Last evaluated 2025-04-10.

Conditions:
PLXNA1-related disorder. Also called: PLXNA1-related condition.

gnomAD v4.1: 35 of 1,613,010 alleles (0.0022%); highest among the groups gnomAD compares: African/African-American, 0.0053%; no homozygotes.

Submissions (2):

Labcorp Genetics (formerly Invitae), Labcorp
Classification: Likely benign. Last evaluated: 2025-04-10. Review status: criteria provided, single submitter. Criteria: Invitae Variant Classification Sherloc (09022015). Collection method: clinical testing. Allele origin: germline.

PreventionGenetics, part of Exact Sciences
Classification: Likely benign for PLXNA1-related condition. Last evaluated: 2024-03-05. Review status: no assertion criteria provided. Collection method: clinical testing. Allele origin: germline. Not counted in ClinVar's aggregate classification.
Comment: This variant is classified as likely benign based on ACMG/AMP sequence variant interpretation guidelines (Richards et al. 2015 PMID: 25741868, with internal and published modifications).

NM_032242.4(PLXNA1):c.1986C>T (p.Ser662=)

Gene: PLXNA1 (plexin A1; plus strand). Cytogenetic location: 3q21.3.
Variant type: single nucleotide variant.
Coding change: c.1986C>T on transcript NM_032242.4 (MANE Select); coding-DNA position 1986, C replaced by T.
Protein change: p.Ser662=; no amino-acid change (serine 662 retained).
Molecular consequence: synonymous variant.
Genome position (GRCh38, 1-based): chr3:127,006,167, C>T. VCF-style: chr3-127006167-C-T. GRCh37 (hg19) VCF-style: chr3-126725010-C-T.
Identifiers: ClinVar variation 3350808 (VCV003350808.3).
Genomic context (GRCh38, chr3:127,006,167, plus strand): 5'-AAAGTCCAAGGAGACAGGGAAGAAGTTTGCGTCTGTGGACTTCGTCTTCTACAACTGCAG[C>T]GTCCACCAGTCGTGAGTGTCTCTAGGCCCCTCCGCCCGCCTGGGCCTGGGCTACTTGCCC-3'
Protein context (NP_115618.3, residues 652-672): ASVDFVFYNC[Ser662=]VHQSCLSCVN